The following is an entry in ClinVar:

ClinVar aggregate classification (germline): Uncertain significance (1 of 4 stars; one submission).

gnomAD v4.1: 14 of 1,544,870 alleles (0.00091%); highest among the groups gnomAD compares: African/African-American, 0.015%; no homozygotes.

Submission:

GeneDx
Classification: Uncertain significance. Last evaluated: 2026-01-23. Review status: criteria provided, single submitter. Criteria: GeneDx Variant Classification Process June 2021. Collection method: clinical testing. Allele origin: germline.
Comment: In silico analysis suggests that this missense variant does not alter protein structure/function; Has not been previously published as pathogenic or benign to our knowledge

NM_001375405.1(CEP120):c.1423A>G (p.Ile475Val)

Gene: CEP120 (centrosomal protein 120; minus strand). Cytogenetic location: 5q23.2.
Variant type: single nucleotide variant.
Coding change: c.1423A>G on transcript NM_001375405.1 (MANE Select); coding-DNA position 1423, A replaced by G.
Protein change: p.Ile475Val; replaces isoleucine 475 with valine.
Molecular consequence: missense variant. On other transcripts: non-coding transcript variant (1).
Genome position (GRCh38, 1-based): chr5:123,388,439, T>C on the plus strand (A>G on the coding strand, the complement: CEP120 is on the minus strand). VCF-style: chr5-123388439-T-C. GRCh37 (hg19) VCF-style: chr5-122724133-T-C.
Other names: c.1345A>G, p.Ile449Val (NM_001166226.2); c.1288A>G, p.Ile430Val (NM_001375406.1); c.1423A>G, p.Ile475Val (NM_001375407.1, NM_153223.4); c.850A>G, p.Ile284Val (NM_001375408.1, NM_001375409.1); short protein forms I284V, I430V, I449V, I475V.
Identifiers: ClinVar variation 4975382 (VCV004975382.1).